The following is an entry in ClinVar:

NM_001369268.1(ACAN):c.902G>A (p.Trp301Ter)

Gene: ACAN (aggrecan; plus strand). Cytogenetic location: 15q26.1.
Variant type: single nucleotide variant.
Coding change: c.902G>A on transcript NM_001369268.1 (MANE Select); coding-DNA position 902, G replaced by A.
Protein change: p.Trp301Ter; replaces tryptophan 301 with a stop codon.
Molecular consequence: nonsense.
Genome position (GRCh38, 1-based): chr15:88,843,499, G>A. VCF-style: chr15-88843499-G-A. GRCh37 (hg19) VCF-style: chr15-89386730-G-A.
Other names: c.902G>A, p.Trp301Ter (NM_001135.4, NM_013227.4); short protein forms W301*.
Identifiers: ClinVar variation 1353164 (VCV001353164.6), dbSNP rs2141576820, ClinGen allele CA393707791.
Genomic context (GRCh38, chr15:88,843,499, plus strand): 5'-CCACCACGGGCCAGCTCTACCTGGCCTGGCAGGCTGGCATGGACATGTGCAGCGCCGGCT[G>A]GCTGGCCGACCGCAGCGTGCGCTACCCCATCTCCAAGGCCCGGCCCAACTGCGGTGGCAA-3'

ClinVar aggregate classification (germline): Pathogenic (1 of 4 stars; one submission).

Submission:

Labcorp Genetics (formerly Invitae), Labcorp
Classification: Pathogenic. Last evaluated: 2024-02-24. Review status: criteria provided, single submitter. Criteria: Invitae Variant Classification Sherloc (09022015). Collection method: clinical testing. Allele origin: germline.
Comment: This sequence change creates a premature translational stop signal (p.Trp301*) in the ACAN gene. It is expected to result in an absent or disrupted protein product. Loss-of-function variants in ACAN are known to be pathogenic (PMID: 16080123, 24762113). This variant is not present in population databases (gnomAD no frequency). This premature translational stop signal has been observed in individual(s) with short stature (PMID: 36387899). ClinVar contains an entry for this variant (Variation ID: 1353164). For these reasons, this variant has been classified as Pathogenic.

Literature cited by the submitters: PubMed 16080123; PubMed 24762113; PubMed 36387899.